The following is an entry in ClinVar:

NM_181523.3(PIK3R1):c.334+14A>C

Gene: PIK3R1 (phosphoinositide-3-kinase regulatory subunit 1; plus strand). Cytogenetic location: 5q13.1.
Variant type: single nucleotide variant.
Coding change: c.334+14A>C on transcript NM_181523.3 (MANE Select); 14 bases into the intron after coding-DNA position 334, A replaced by C.
Molecular consequence: intron variant.
Genome position (GRCh38, 1-based): chr5:68,227,023, A>C. VCF-style: chr5-68227023-A-C. GRCh37 (hg19) VCF-style: chr5-67522851-A-C.
Identifiers: ClinVar variation 159723 (VCV000159723.39), dbSNP rs706714, ClinGen allele CA173189.
Genomic context (GRCh38, chr5:68,227,023, plus strand): 5'-TGTTGCACCAGGTTCTTCGAAAACTGAAGCAGATGTTGAACAACAAGGTCAGTATTGATA[A>C]GTGGTTGCTTAATGACTCCCTTTCTTTTTCTTTTTAAGGAAAAGTCTTAAGTTTGGGTTG-3'

ClinVar aggregate classification (germline): Benign/Likely benign. Review status: criteria provided, multiple submitters, no conflicts (2 of 4 stars). 11 submissions from 9 submitters: Benign (9); Likely benign (2). Last evaluated 2026-02-04.

Conditions:
Immunodeficiency 36 with lymphoproliferation. Also called: Immunodeficiency 36; ACTIVATED PI3K-DELTA SYNDROME 2; Activated PI3K Delta Syndrome Type 2 (APDS2). Identifiers: Orphanet 397596, Orphanet 693681, MedGen C4014934, MONDO:0014453, OMIM 616005.
SHORT syndrome. Also called: LIPODYSTROPHY, PARTIAL, WITH RIEGER ANOMALY AND SHORT STATURE; PIK3R1-Related SHORT Syndrome; SHORT STATURE, HYPEREXTENSIBILITY, HERNIA, OCULAR DEPRESSION, RIEGER ANOMALY, AND TEETHING DELAY. Identifiers: Orphanet 3163, MedGen C0878684, MONDO:0010026, OMIM 269880.
Agammaglobulinemia 7, autosomal recessive (AGM7). Also called: AGAMMAGLOBULINEMIA, AUTOSOMAL RECESSIVE, DUE TO PIK3R1 DEFECT. Identifiers: MedGen C3554689, MONDO:0014083, OMIM 615214.

Allele frequency attached by ClinVar (database versions not stated): ESP Exome Variant Server 0.29388; gnomAD 0.31124 and 0.31742; gnomAD exomes 0.32389; TOPMed 0.32505; ExAC 0.33172; 1000 Genomes Project 30x 0.41989; 1000 Genomes Project 0.42492.
gnomAD v4.1: 447,982 of 1,578,110 alleles (28%); highest among the groups gnomAD compares: East Asian, 72%; 69,982 homozygotes.

Submissions (11):

Labcorp Genetics (formerly Invitae), Labcorp
Classification: Benign for SHORT syndrome; Immunodeficiency 36 with lymphoproliferation; Agammaglobulinemia 7, autosomal recessive. Last evaluated: 2026-02-04. Review status: criteria provided, single submitter. Criteria: Invitae Variant Classification Sherloc (09022015). Collection method: clinical testing. Allele origin: germline.

Women's Health and Genetics/Laboratory Corporation of America, LabCorp
Classification: Benign. Last evaluated: 2026-01-21. Review status: criteria provided, single submitter. Criteria: LabCorp Variant Classification Summary - May 2015. Collection method: clinical testing. Allele origin: germline.

ARUP Laboratories, Molecular Genetics and Genomics, ARUP Laboratories
Classification: Benign. Last evaluated: 2025-07-30. Review status: criteria provided, single submitter. Criteria: ARUP Molecular Germline Variant Investigation Process 2024. Collection method: clinical testing. Allele origin: germline.

Blueprint Genetics
Classification: Benign. Last evaluated: 2024-11-26. Review status: criteria provided, single submitter. Criteria: ACMG Guidelines, 2015. Collection method: clinical testing. Allele origin: germline.

Unidad de Genómica Garrahan, Hospital de Pediatría Garrahan
Classification: Benign. Last evaluated: 2023-11-12. Review status: criteria provided, single submitter. Criteria: ACMG Guidelines, 2015. Collection method: clinical testing. Allele origin: germline. Affected: no. Observed: 52 variant alleles.
Comment: This variant is classified as Benign based on local population frequency. This variant was detected in 54% of patients studied by a panel of primary immunodeficiencies. Number of patients: 52. Only high quality variants are reported.

Genome-Nilou Lab
Classification: Benign for Agammaglobulinemia 7, autosomal recessive. Last evaluated: 2021-09-05. Review status: criteria provided, single submitter. Criteria: ACMG Guidelines, 2015. Collection method: clinical testing. Allele origin: germline. Affected: no.

Genome-Nilou Lab
Classification: Benign for Immunodeficiency 36 with lymphoproliferation. Last evaluated: 2021-09-05. Review status: criteria provided, single submitter. Criteria: ACMG Guidelines, 2015. Collection method: clinical testing. Allele origin: germline. Affected: no.

Genome-Nilou Lab
Classification: Benign for SHORT syndrome. Last evaluated: 2021-09-05. Review status: criteria provided, single submitter. Criteria: ACMG Guidelines, 2015. Collection method: clinical testing. Allele origin: germline. Affected: no.

Laboratory for Molecular Medicine, Mass General Brigham Personalized Medicine
Classification: Benign. Last evaluated: 2016-03-29. Review status: criteria provided, single submitter. Criteria: LMM Criteria. Collection method: clinical testing. Allele origin: germline.
Comment: Variant identified in a genome or exome case(s) and assessed due to predicted null impact of the variant or pathogenic assertions in the literature or databases. Disclaimer: This variant has not undergone full assessment. The following are preliminary notes: Frequency

Genetic Services Laboratory, University of Chicago
Classification: Likely benign. Last evaluated: 2013-10-31. Review status: criteria provided, single submitter. Criteria: ACMG Guidelines, 2007. Collection method: clinical testing. Allele origin: germline. Inheritance: Autosomal dominant inheritance.
Comment: Likely benign based on allele frequency in 1000 Genomes Project or ESP global frequency and its presence in a patient with a rare or unrelated disease phenotype. NOT Sanger confirmed

Breakthrough Genomics
Classification: Likely benign. Review status: criteria provided, single submitter. Criteria: ACMG Guidelines, 2015. Collection method: not provided. Allele origin: germline. Inheritance: Autosomal recessive inheritance. Affected: yes.